The following is an entry in ClinVar:

NM_001395159.1(UNC79):c.4328T>C (p.Leu1443Pro)

Gene: UNC79 (unc-79 subunit of NALCN channel complex; plus strand). Cytogenetic location: 14q32.12.
Variant type: single nucleotide variant.
Coding change: c.4328T>C on transcript NM_001395159.1 (MANE Select); coding-DNA position 4328, T replaced by C.
Protein change: p.Leu1443Pro; replaces leucine 1443 with proline.
Molecular consequence: missense variant.
Genome position (GRCh38, 1-based): chr14:93,618,229, T>C. VCF-style: chr14-93618229-T-C. GRCh37 (hg19) VCF-style: chr14-94084575-T-C.
Other names: c.4262T>C, p.Leu1421Pro (NM_001346218.2); c.3731T>C, p.Leu1244Pro (NM_020818.5); short protein forms L1244P, L1421P, L1443P.
Identifiers: ClinVar variation 4075580 (VCV004075580.1).

ClinVar aggregate classification (germline): Uncertain significance (1 of 4 stars; one submission).

Submission:

GeneDx
Classification: Uncertain significance. Last evaluated: 2025-02-13. Review status: criteria provided, single submitter. Criteria: GeneDx Variant Classification Process June 2021. Collection method: clinical testing. Allele origin: germline. Affected: yes.
Comment: Not observed at significant frequency in large population cohorts (gnomAD); In silico analysis supports that this missense variant has a deleterious effect on protein structure/function; Has not been previously published as pathogenic or benign to our knowledge